The following is an entry in ClinVar:

NM_025137.4(SPG11):c.31G>C (p.Ala11Pro)

Gene: SPG11 (SPG11 vesicle trafficking associated, spatacsin; minus strand). Cytogenetic location: 15q21.1.
Variant type: single nucleotide variant.
Coding change: c.31G>C on transcript NM_025137.4 (MANE Select); coding-DNA position 31, G replaced by C.
Protein change: p.Ala11Pro; replaces alanine 11 with proline.
Molecular consequence: missense variant.
Genome position (GRCh38, 1-based): chr15:44,663,617, C>G on the plus strand (G>C on the coding strand, the complement: SPG11 is on the minus strand). VCF-style: chr15-44663617-C-G. GRCh37 (hg19) VCF-style: chr15-44955815-C-G.
Other names: c.31G>C, p.Ala11Pro (NM_001160227.2); short protein forms A11P.
Identifiers: ClinVar variation 947632 (VCV000947632.10), dbSNP rs529316227, ClinGen allele CA7535973.

ClinVar aggregate classification (germline): Conflicting classifications of pathogenicity. Review status: criteria provided, conflicting classifications (1 of 4 stars). 5 submissions from 3 submitters: Uncertain significance (4); Likely benign (1). Last evaluated 2025-12-06.

Conditions:
Hereditary spastic paraplegia 11. Also called: Spastic Paraplegia 11; Nakamura Osame syndrome; Autosomal recessive hereditary spastic paraplegia, mental impairment, and thin corpus callosum; Spastic paraplegia, mental retardation and thin corpus callosum; SPASTIC PARAPLEGIA, AUTOSOMAL RECESSIVE, COMPLICATED, WITH THIN CORPUS CALLOSUM; SPASTIC PARAPLEGIA, AUTOSOMAL RECESSIVE, WITH MENTAL IMPAIRMENT AND THIN CORPUS CALLOSUM. Identifiers: Orphanet 2822, MedGen C1858479, MONDO:0011445, OMIM 604360.
Amyotrophic lateral sclerosis type 5 (ALS5). Also called: AMYOTROPHIC LATERAL SCLEROSIS 5, JUVENILE. Identifiers: Orphanet 300605, MedGen C1865864, MONDO:0011196, OMIM 602099.
Charcot-Marie-Tooth disease axonal type 2X. Also called: CHARCOT-MARIE-TOOTH DISEASE, AXONAL, AUTOSOMAL RECESSIVE, TYPE 2X; CHARCOT-MARIE-TOOTH NEUROPATHY, TYPE 2X. Identifiers: Orphanet 466775, MedGen C5569024, MONDO:0014726, OMIM 616668.

Allele frequency attached by ClinVar (database versions not stated): gnomAD exomes 0.00007; ExAC 0.00009; 1000 Genomes Project 30x 0.00016; 1000 Genomes Project 0.00020.
gnomAD v4.1: 36 of 1,596,392 alleles (0.0023%); highest among the groups gnomAD compares: South Asian, 0.039%; no homozygotes.

Submissions (5):

Labcorp Genetics (formerly Invitae), Labcorp
Classification: Likely benign for Hereditary spastic paraplegia 11. Last evaluated: 2025-12-06. Review status: criteria provided, single submitter. Criteria: Invitae Variant Classification Sherloc (09022015). Collection method: clinical testing. Allele origin: germline.

Women's Health and Genetics/Laboratory Corporation of America, LabCorp
Classification: Uncertain significance. Last evaluated: 2022-09-12. Review status: criteria provided, single submitter. Criteria: LabCorp Variant Classification Summary - May 2015. Collection method: clinical testing. Allele origin: germline.
Comment: Variant summary: SPG11 c.31G>C (p.Ala11Pro) results in a non-conservative amino acid change in the encoded protein sequence. Three of four in-silico tools predict a benign effect of the variant on protein function. The variant allele was found at a frequency of 6.5e-05 in 213902 control chromosomes. This frequency is not significantly higher than expected for a pathogenic variant in SPG11 causing Hereditary Spastic Paraplegia, Type 11 (6.5e-05 vs 0.0011), allowing no conclusion about variant significance. c.31G>C has been reported in the literature in at least one individual affected with distal hereditary motor neuropathy without strong evidence for causality (Bacquet_2018). These data do not allow any conclusion about variant significance. To our knowledge, no experimental evidence demonstrating an impact on protein function has been reported. One clinical diagnostic laboratory has submitted clinical-significance assessments for this variant to ClinVar after 2014 without evidence for independent evaluation, classifying it as uncertain significance. Based on the evidence outlined above, the variant was classified as uncertain significance.

Genome-Nilou Lab
Classification: Uncertain significance for Amyotrophic lateral sclerosis type 5. Review status: criteria provided, single submitter. Criteria: ACMG Guidelines, 2015. Collection method: clinical testing. Allele origin: germline.

Genome-Nilou Lab
Classification: Uncertain significance for Charcot-Marie-Tooth disease axonal type 2X. Review status: criteria provided, single submitter. Criteria: ACMG Guidelines, 2015. Collection method: clinical testing. Allele origin: germline.

Genome-Nilou Lab
Classification: Uncertain significance for Hereditary spastic paraplegia 11. Review status: criteria provided, single submitter. Criteria: ACMG Guidelines, 2015. Collection method: clinical testing. Allele origin: germline.

Literature cited by the submitters: PubMed 30373780 (cited by Women's Health and Genetics/Laboratory Corporation of America, LabCorp).